The following is an entry in ClinVar:

ClinVar aggregate classification (germline): Pathogenic (1 of 4 stars; one submission).

Conditions:
Polycystic kidney disease 2 (PKD2). Also called: Polycystic Kidney Disease 2, Autosomal Dominant; POLYCYSTIC KIDNEY DISEASE 2 WITH OR WITHOUT POLYCYSTIC LIVER DISEASE; POLYCYSTIC KIDNEY DISEASE, ADULT, TYPE II. Identifiers: MedGen C2751306, MONDO:0013131, OMIM 613095.

Submission:

MVZ Medizinische Genetik Mainz
Classification: Pathogenic for Polycystic kidney disease 2. Last evaluated: 2023-11-27. Review status: criteria provided, single submitter. Criteria: UK Practice Guidelines For Variant Classification V4 01 2020. Collection method: clinical testing. Allele origin: germline. Inheritance: Autosomal dominant inheritance. Affected: yes. Observed: 1 variant allele.
Comment: ACMG Criteria: PVS1,PM2_SUP,PP4

NM_000297.4(PKD2):c.1711del (p.Ile571fs)

Gene: PKD2 (polycystin 2, transient receptor potential cation channel; plus strand). Cytogenetic location: 4q22.1.
Variant type: Deletion.
Coding change: c.1711del on transcript NM_000297.4 (MANE Select); coding-DNA position 1711, one base deleted (A; older notation c.1711delA).
Protein change: p.Ile571fs; shifts the reading frame from isoleucine 571.
Molecular consequence: frameshift variant. On other transcripts: non-coding transcript variant (1).
Genome position (GRCh38, 1-based): chr4:88,052,153, A deleted. VCF-style (leftmost placement, unchanged base first): chr4-88052152-GA-G. GRCh37 (hg19) VCF-style: chr4-88973304-GA-G.
Other names: short protein forms I571fs.
Identifiers: ClinVar variation 3236209 (VCV003236209.1), dbSNP rs2475942083, ClinGen allele CA2825001312.